The following is an entry in ClinVar:

NM_206926.2(SELENON):c.771-261T>C

Gene: SELENON (selenoprotein N; plus strand). Cytogenetic location: 1p36.11.
Variant type: single nucleotide variant.
Coding change: c.771-261T>C on transcript NM_206926.2 (MANE Select); 261 bases into the intron before coding-DNA position 771, T replaced by C.
Molecular consequence: intron variant.
Genome position (GRCh38, 1-based): chr1:25,809,422, T>C. VCF-style: chr1-25809422-T-C. GRCh37 (hg19) VCF-style: chr1-26135913-T-C.
Other names: c.873-261T>C (NM_020451.3).
Identifiers: ClinVar variation 680776 (VCV000680776.1), dbSNP rs7542128, ClinGen allele CA10802534.

ClinVar aggregate classification (germline): Benign (1 of 4 stars; one submission).

Allele frequency attached by ClinVar (database versions not stated): gnomAD 0.82217 and 0.82619; 1000 Genomes Project 0.88498; TOPMed 0.83869; 1000 Genomes Project 30x 0.88210.

Submission:

GeneDx
Classification: Benign. Last evaluated: 2018-06-14. Review status: criteria provided, single submitter. Criteria: GeneDx Variant Classification (06012015). Collection method: clinical testing. Allele origin: germline. Affected: yes.
Comment: This variant is considered likely benign or benign based on one or more of the following criteria: it is a conservative change, it occurs at a poorly conserved position in the protein, it is predicted to be benign by multiple in silico algorithms, and/or has population frequency not consistent with disease.